The following is an entry in ClinVar:

NM_001374828.1(ARID1B):c.4348C>T (p.Gln1450Ter)

Gene: ARID1B (AT-rich interaction domain 1B; plus strand). Cytogenetic location: 6q25.3.
Variant type: single nucleotide variant.
Coding change: c.4348C>T on transcript NM_001374828.1 (MANE Select); coding-DNA position 4348, C replaced by T.
Protein change: p.Gln1450Ter; replaces glutamine 1450 with a stop codon.
Molecular consequence: nonsense.
Genome position (GRCh38, 1-based): chr6:157,196,281, C>T. VCF-style: chr6-157196281-C-T. GRCh37 (hg19) VCF-style: chr6-157517415-C-T.
Other names: c.1849C>T, p.Gln617Ter (NM_001363725.2); c.4228C>T, p.Gln1410Ter (NM_001371656.1, NM_001374820.1); c.4189C>T, p.Gln1397Ter (NM_017519.3); c.3979C>T (NM_020732.3); short protein forms Q1397*, Q1410*, Q1450*, Q617*.
Identifiers: ClinVar variation 3898856 (VCV003898856.1).
Genomic context (GRCh38, chr6:157,196,281, plus strand): 5'-CAGGACATGTACAACCAAAGTCCCTCCGGAGCAATGTCTAACCTGGGCATGGGGCAGCGC[C>T]AGCAGTTTCCCTATGGAGCCAGTTACGACCGAAGGTGAGTATTTTTTAAGATGACAATAT-3'

ClinVar aggregate classification (germline): Pathogenic (1 of 4 stars; one submission).

Submission:

GeneDx
Classification: Pathogenic. Last evaluated: 2024-11-06. Review status: criteria provided, single submitter. Criteria: GeneDx Variant Classification Process June 2021. Collection method: clinical testing. Allele origin: germline. Affected: yes.
Comment: Nonsense variant predicted to result in protein truncation or nonsense mediated decay in a gene for which loss of function is a known mechanism of disease; Not observed at significant frequency in large population cohorts (gnomAD); Has not been previously published as pathogenic or benign to our knowledge